The following is an entry in ClinVar:

NM_000384.3(APOB):c.1554G>C (p.Lys518Asn)

Gene: APOB (apolipoprotein B; minus strand). Cytogenetic location: 2p24.1.
Variant type: single nucleotide variant.
Coding change: c.1554G>C on transcript NM_000384.3 (MANE Select); coding-DNA position 1554, G replaced by C.
Protein change: p.Lys518Asn; replaces lysine 518 with asparagine.
Molecular consequence: missense variant.
Genome position (GRCh38, 1-based): chr2:21,029,702, C>G on the plus strand (G>C on the coding strand, the complement: APOB is on the minus strand). VCF-style: chr2-21029702-C-G. GRCh37 (hg19) VCF-style: chr2-21252574-C-G.
Other names: short protein forms K518N.
Identifiers: ClinVar variation 654806 (VCV000654806.10), dbSNP rs778274241, ClinGen allele CA346015005.

ClinVar aggregate classification (germline): Uncertain significance (1 of 4 stars; one submission).

Conditions:
Familial hypobetalipoproteinemia 1. Also called: Hypobetalipoproteinemia, normotriglyceridemic; Acanthocytosis with hypobetalipoproteinemia; APOB-Related Familial Hypobetalipoproteinemia. Identifiers: MedGen C4551990, MONDO:0014252, OMIM 615558.
Hypercholesterolemia, autosomal dominant, type B (FHCL2). Also called: Familial Hypercholesterolemia Type B; APOLIPOPROTEIN B-100, FAMILIAL DEFECTIVE; APOLIPOPROTEIN B-100, FAMILIAL LIGAND-DEFECTIVE; HYPERCHOLESTEROLEMIA, FAMILIAL, DUE TO LIGAND-DEFECTIVE APOLIPOPROTEIN B; Familial hypercholesterolemia 2; APOB-Related Familial Hypercholesterolemia, Autosomal Dominant. Identifiers: MedGen C1704417, MONDO:0007751, OMIM 144010.

gnomAD v4.1: 8 of 1,614,140 alleles (0.0005%); highest among the groups gnomAD compares: Admixed American, 0.013%; no homozygotes.

Submission:

Labcorp Genetics (formerly Invitae), Labcorp
Classification: Uncertain significance for Familial hypobetalipoproteinemia 1; Hypercholesterolemia, autosomal dominant, type B. Last evaluated: 2025-05-25. Review status: criteria provided, single submitter. Criteria: Invitae Variant Classification Sherloc (09022015). Collection method: clinical testing. Allele origin: germline.
Comment: This sequence change replaces lysine, which is basic and polar, with asparagine, which is neutral and polar, at codon 518 of the APOB protein (p.Lys518Asn). This variant is present in population databases (no rsID available, gnomAD 0.02%). This variant has not been reported in the literature in individuals affected with APOB-related conditions. ClinVar contains an entry for this variant (Variation ID: 654806). Invitae Evidence Modeling of protein sequence and biophysical properties (such as structural, functional, and spatial information, amino acid conservation, physicochemical variation, residue mobility, and thermodynamic stability) indicates that this missense variant is not expected to disrupt APOB protein function with a negative predictive value of 95%. In summary, the available evidence is currently insufficient to determine the role of this variant in disease. Therefore, it has been classified as a Variant of Uncertain Significance.